The following is an entry in ClinVar:

ClinVar aggregate classification (germline): Uncertain significance (1 of 4 stars; one submission).

Submission:

GeneDx
Classification: Uncertain significance. Last evaluated: 2024-04-17. Review status: criteria provided, single submitter. Criteria: GeneDx Variant Classification Process June 2021. Collection method: clinical testing. Allele origin: germline. Affected: yes.
Comment: Not observed at significant frequency in large population cohorts (gnomAD); In silico analysis supports that this missense variant has a deleterious effect on protein structure/function; Has not been previously published as pathogenic or benign to our knowledge

NM_004713.6(NEMF):c.2333C>T (p.Pro778Leu)

Gene: NEMF (nuclear export mediator factor; minus strand). Cytogenetic location: 14q21.3.
Variant type: single nucleotide variant.
Coding change: c.2333C>T on transcript NM_004713.6 (MANE Select); coding-DNA position 2333, C replaced by T.
Protein change: p.Pro778Leu; replaces proline 778 with leucine.
Molecular consequence: missense variant.
Genome position (GRCh38, 1-based): chr14:49,800,459, G>A on the plus strand (C>T on the coding strand, the complement: NEMF is on the minus strand). VCF-style: chr14-49800459-G-A. GRCh37 (hg19) VCF-style: chr14-50267177-G-A.
Other names: c.2270C>T, p.Pro757Leu (NM_001301732.3); short protein forms P757L, P778L.
Identifiers: ClinVar variation 3372519 (VCV003372519.1).